The following is an entry in ClinVar:

ClinVar aggregate classification (germline): Uncertain significance (1 of 4 stars; one submission).

Submission:

Illumina Laboratory Services, Illumina
Classification: Uncertain significance. Last evaluated: 2022-09-22. Review status: criteria provided, single submitter. Criteria: ICSL CNVClassificationCriteria Aug2020. Collection method: clinical testing. Allele origin: unknown. Affected: yes.
Comment: The NBAS c.1202T>C (p.Val401Ala) missense variant results in the substitution of valine at amino acid position 401 with alanine. To our knowledge, this variant has not been reported in the peer-reviewed literature. This variant is not found in version 2.1.1 or version 3.1.2 of the Genome Aggregation Database. Based on the available evidence, the c.1202T>C (p.Val401Ala) variant is classified as a variant of uncertain significance for short stature, optic nerve atrophy, and Pelger-Huet anomaly.

NM_015909.4(NBAS):c.1202T>C (p.Val401Ala)

Gene: NBAS (NBAS subunit of NRZ tethering complex; minus strand). Cytogenetic location: 2p24.3.
Variant type: single nucleotide variant.
Coding change: c.1202T>C on transcript NM_015909.4 (MANE Select); coding-DNA position 1202, T replaced by C.
Protein change: p.Val401Ala; replaces valine 401 with alanine.
Molecular consequence: missense variant. On other transcripts: non-coding transcript variant (1).
Genome position (GRCh38, 1-based): chr2:15,475,826, A>G on the plus strand (T>C on the coding strand, the complement: NBAS is on the minus strand). VCF-style: chr2-15475826-A-G. GRCh37 (hg19) VCF-style: chr2-15615950-A-G.
Other names: short protein forms V401A.
Identifiers: ClinVar variation 2429424 (VCV002429424.3), dbSNP rs1186962294, ClinGen allele CA345891134.